The following is an entry in ClinVar:

ClinVar aggregate classification (germline): Uncertain significance (1 of 4 stars; one submission).

Conditions:
Congenital sideroblastic anemia-B-cell immunodeficiency-periodic fever-developmental delay syndrome. Also called: Sideroblastic anemia with B-cell immunodeficiency, periodic fevers, and developmental delay. Identifiers: Orphanet 369861, MedGen C4015172, MONDO:0014487, OMIM 616084.

Allele frequency attached by ClinVar (database versions not stated): gnomAD exomes below 0.00001.
gnomAD v4.1: 5 of 1,613,906 alleles (0.00031%); highest among the groups gnomAD compares: Non-Finnish European, 0.00042%; no homozygotes.

Submission:

Labcorp Genetics (formerly Invitae), Labcorp
Classification: Uncertain significance for Congenital sideroblastic anemia-B-cell immunodeficiency-periodic fever-developmental delay syndrome. Last evaluated: 2022-06-12. Review status: criteria provided, single submitter. Criteria: Invitae Variant Classification Sherloc (09022015). Collection method: clinical testing. Allele origin: germline.
Comment: This sequence change replaces valine, which is neutral and non-polar, with phenylalanine, which is neutral and non-polar, at codon 247 of the TRNT1 protein (p.Val247Phe). This variant is not present in population databases (gnomAD no frequency). This variant has not been reported in the literature in individuals affected with TRNT1-related conditions. Algorithms developed to predict the effect of missense changes on protein structure and function are either unavailable or do not agree on the potential impact of this missense change (SIFT: "Deleterious"; PolyPhen-2: "Benign"; Align-GVGD: "Class C0"). In summary, the available evidence is currently insufficient to determine the role of this variant in disease. Therefore, it has been classified as a Variant of Uncertain Significance.

NM_182916.3(TRNT1):c.739G>T (p.Val247Phe)

Gene: TRNT1 (tRNA nucleotidyl transferase 1; plus strand). Cytogenetic location: 3p26.2.
Variant type: single nucleotide variant.
Coding change: c.739G>T on transcript NM_182916.3 (MANE Select); coding-DNA position 739, G replaced by T.
Protein change: p.Val247Phe; replaces valine 247 with phenylalanine.
Molecular consequence: missense variant. On other transcripts: non-coding transcript variant (6).
Genome position (GRCh38, 1-based): chr3:3,146,560, G>T. VCF-style: chr3-3146560-G-T. GRCh37 (hg19) VCF-style: chr3-3188244-G-T.
Other names: c.739G>T, p.Val247Phe (NM_001302946.2, NM_001367321.1, NM_001367322.1 and 1 more transcripts); short protein forms V247F.
Identifiers: ClinVar variation 1461484 (VCV001461484.5), dbSNP rs1456113852, ClinGen allele CA351447196.
Genomic context (GRCh38, chr3:3,146,560, plus strand): 5'-GCAAAAGGCTTGGCTGGAATATCAGGAGAAAGGATTTGGGTGGAACTGAAAAAAATTCTT[G>T]TTGGTAACCATGTAAATCATTTGATTCACCTTATCTATGATCTTGATGTGGCTCCTTATA-3'
Protein context (NP_886552.3, residues 237-257): RIWVELKKIL[Val247Phe]GNHVNHLIHL